The following is an entry in ClinVar:

ClinVar aggregate classification (germline): Benign. Review status: criteria provided, multiple submitters, no conflicts (2 of 4 stars). 3 submissions from 3 submitters: Benign (3). Last evaluated 2021-07-14.

Conditions:
Timothy syndrome (TS). Also called: LONG QT SYNDROME WITH SYNDACTYLY. Identifiers: Orphanet 65283, MedGen C1832916, MeSH C536962, MONDO:0010979, OMIM 601005.

Allele frequency attached by ClinVar (database versions not stated): TOPMed 0.66310; gnomAD 0.66649 and 0.67557; 1000 Genomes Project 30x 0.66849; ESP Exome Variant Server 0.66929; 1000 Genomes Project 0.67073; ExAC 0.75145; gnomAD exomes 0.75965.
gnomAD v4.1: 1,211,906 of 1,592,548 alleles (76%); highest among the groups gnomAD compares: Admixed American, 83%; 466,970 homozygotes.

Submissions (3):

Genome-Nilou Lab
Classification: Benign for Timothy syndrome. Last evaluated: 2021-07-14. Review status: criteria provided, single submitter. Criteria: ACMG Guidelines, 2015. Collection method: clinical testing. Allele origin: germline. Affected: no.

GeneDx
Classification: Benign. Last evaluated: 2018-06-14. Review status: criteria provided, single submitter. Criteria: GeneDx Variant Classification (06012015). Collection method: clinical testing. Allele origin: germline. Affected: yes.
Comment: This variant is considered likely benign or benign based on one or more of the following criteria: it is a conservative change, it occurs at a poorly conserved position in the protein, it is predicted to be benign by multiple in silico algorithms, and/or has population frequency not consistent with disease.

Breakthrough Genomics
Classification: Benign. Review status: criteria provided, single submitter. Criteria: ACMG Guidelines, 2015. Collection method: not provided. Allele origin: germline. Inheritance: Autosomal dominant inheritance. Affected: yes.

NM_000719.7(CACNA1C):c.3946-98G>A

Gene: CACNA1C (calcium voltage-gated channel subunit alpha1 C; plus strand). Cytogenetic location: 12p13.33.
Variant type: single nucleotide variant.
Coding change: c.3946-98G>A on transcript NM_000719.7 (MANE Select); 98 bases into the intron before coding-DNA position 3946, G replaced by A.
Molecular consequence: intron variant.
Genome position (GRCh38, 1-based): chr12:2,651,542, G>A. VCF-style: chr12-2651542-G-A. GRCh37 (hg19) VCF-style: chr12-2760708-G-A.
Other names: c.3946-98G>A (NM_001167624.3, NM_001167623.2, NM_001129840.2 and 7 more transcripts); c.3913-98G>A (NM_001167625.2, NM_001129837.2, NM_001129838.2 and 1 more transcripts); c.4090-98G>A (NM_199460.4, NM_001129827.2); c.4006-98G>A (NM_001129832.2); c.4030-98G>A (NM_001129831.2); c.3946-32G>A (NM_001129829.2); c.3907-98G>A (NM_001129839.2); c.3997-98G>A (NM_001129836.2); and 1 more.
Identifiers: ClinVar variation 670958 (VCV000670958.5), dbSNP rs216045, ClinGen allele CA6389411.